The following is an entry in ClinVar:

NM_022829.6(SLC13A3):c.1426G>A (p.Ala476Thr)

Gene: SLC13A3 (solute carrier family 13 member 3; minus strand). Cytogenetic location: 20q13.12.
Variant type: single nucleotide variant.
Coding change: c.1426G>A on transcript NM_022829.6 (MANE Select); coding-DNA position 1426, G replaced by A.
Protein change: p.Ala476Thr; replaces alanine 476 with threonine.
Molecular consequence: missense variant.
Genome position (GRCh38, 1-based): chr20:46,566,297, C>T on the plus strand (G>A on the coding strand, the complement: SLC13A3 is on the minus strand). VCF-style: chr20-46566297-C-T. GRCh37 (hg19) VCF-style: chr20-45194936-C-T.
Other names: c.1285G>A, p.Ala429Thr (NM_001011554.3); c.1276G>A, p.Ala426Thr (NM_001193339.2); c.1180G>A, p.Ala394Thr (NM_001193340.2); c.1132G>A, p.Ala378Thr (NM_001193342.2); short protein forms A394T, A378T, A426T, A476T, A429T.
Identifiers: ClinVar variation 2975465 (VCV002975465.4), dbSNP rs774853553, ClinGen allele CA9891270.

ClinVar aggregate classification (germline): Uncertain significance. Review status: criteria provided, multiple submitters, no conflicts (2 of 4 stars). 2 submissions from 2 submitters: Uncertain significance (2). Last evaluated 2025-05-05.

Allele frequency attached by ClinVar (database versions not stated): gnomAD exomes below 0.00001; ExAC 0.00001; TOPMed 0.00002.
gnomAD v4.1: 2 of 1,613,554 alleles (0.00012%); highest among the groups gnomAD compares: African/African-American, 0.0027%; no homozygotes.

Submissions (2):

Women's Health and Genetics/Laboratory Corporation of America, LabCorp
Classification: Uncertain significance. Last evaluated: 2025-05-05. Review status: criteria provided, single submitter. Criteria: LabCorp Variant Classification Summary - May 2015. Collection method: clinical testing. Allele origin: germline.
Comment: Variant summary: SLC13A3 c.1426G>A (p.Ala476Thr) results in a non-conservative amino acid change in the encoded protein sequence. Algorithms developed to predict the effect of missense changes on protein structure and function are either unavailable or do not agree on the potential impact of this missense change. The variant allele was found at a frequency of 4e-06 in 251094 control chromosomes. The available data on variant occurrences in the general population are insufficient to allow any conclusion about variant significance. To our knowledge, no occurrence of c.1426G>A in individuals affected with Leukoencephalopathy, Acute Reversible, With Increased Urinary Alpha-Ketoglutarate and no experimental evidence demonstrating its impact on protein function have been reported. ClinVar contains an entry for this variant (Variation ID: 2975465). Based on the evidence outlined above, the variant was classified as uncertain significance.

Labcorp Genetics (formerly Invitae), Labcorp
Classification: Uncertain significance. Last evaluated: 2023-03-01. Review status: criteria provided, single submitter. Criteria: Invitae Variant Classification Sherloc (09022015). Collection method: clinical testing. Allele origin: germline.
Comment: In summary, the available evidence is currently insufficient to determine the role of this variant in disease. Therefore, it has been classified as a Variant of Uncertain Significance. This sequence change replaces alanine, which is neutral and non-polar, with threonine, which is neutral and polar, at codon 476 of the SLC13A3 protein (p.Ala476Thr). The frequency data for this variant in the population databases is considered unreliable, as metrics indicate poor data quality at this position in the gnomAD database. This variant has not been reported in the literature in individuals affected with SLC13A3-related conditions. Advanced modeling of protein sequence and biophysical properties (such as structural, functional, and spatial information, amino acid conservation, physicochemical variation, residue mobility, and thermodynamic stability) performed at Invitae indicates that this missense variant is not expected to disrupt SLC13A3 protein function.